The following is an entry in ClinVar:

ClinVar aggregate classification (germline): Benign. Review status: criteria provided, multiple submitters, no conflicts (2 of 4 stars). 5 submissions from 5 submitters: Benign (3). 2 of the submissions do not count toward it. Last evaluated 2026-09-21.

Allele frequency attached by ClinVar (database versions not stated): ExAC 0.19526; gnomAD exomes 0.19654; gnomAD 0.20933 and 0.20636; ESP Exome Variant Server 0.21598; TOPMed 0.19879; 1000 Genomes Project 0.15615; 1000 Genomes Project 30x 0.15631.
gnomAD v4.1: 360,559 of 1,613,050 alleles (22%); highest among the groups gnomAD compares: Middle Eastern, 27%; 42,278 homozygotes.

Submissions (5):

Molecular Diagnostic Laboratory for Inherited Cardiovascular Disease, Montreal Heart Institute
Classification: Benign. Last evaluated: 2026-09-21. Review status: criteria provided, single submitter. Criteria: ACMG Guidelines, 2015. Collection method: clinical testing. Allele origin: germline. Affected: no.

GeneDx
Classification: Benign. Last evaluated: 2013-03-20. Review status: criteria provided, single submitter. Criteria: GeneDx Variant Classification (06012015). Collection method: clinical testing. Allele origin: germline. Affected: yes.
Comment: This variant is considered likely benign or benign based on one or more of the following criteria: it is a conservative change, it occurs at a poorly conserved position in the protein, it is predicted to be benign by multiple in silico algorithms, and/or has population frequency not consistent with disease.

PreventionGenetics, part of Exact Sciences
Classification: Benign. Review status: criteria provided, single submitter. Criteria: ACMG Guidelines, 2015. Collection method: clinical testing. Allele origin: germline.

Genome Diagnostics Laboratory, University Medical Center Utrecht
Classification: Benign. Review status: no assertion criteria provided. Collection method: clinical testing. Allele origin: germline. Affected: yes. Study: VKGL Data-share Consensus. Not counted in ClinVar's aggregate classification.

Joint Genome Diagnostic Labs from Nijmegen and Maastricht, Radboudumc and MUMC+
Classification: Benign. Review status: no assertion criteria provided. Collection method: clinical testing. Allele origin: germline. Affected: yes. Study: VKGL Data-share Consensus. Not counted in ClinVar's aggregate classification.

NM_004415.4(DSP):c.274-31T>C

Gene: DSP (desmoplakin; plus strand). Cytogenetic location: 6p24.3.
Variant type: single nucleotide variant.
Coding change: c.274-31T>C on transcript NM_004415.4 (MANE Select); 31 bases into the intron before coding-DNA position 274, T replaced by C.
Molecular consequence: intron variant.
Genome position (GRCh38, 1-based): chr6:7,558,085, T>C. VCF-style: chr6-7558085-T-C. GRCh37 (hg19) VCF-style: chr6-7558318-T-C.
Other names: IVS2-31T>C; IVS2-31 T>C; c.274-31T>C (NM_001319034.2, NM_001008844.3, LRG_423t1 and 1 more transcripts).
Identifiers: ClinVar variation 137167 (VCV000137167.6), dbSNP rs10484326, ClinGen allele CA005560.